The following is an entry in ClinVar:

NM_000760.4(CSF3R):c.2429A>G (p.Asp810Gly)

Gene: CSF3R (colony stimulating factor 3 receptor; minus strand). Cytogenetic location: 1p34.3.
Variant type: single nucleotide variant.
Coding change: c.2429A>G on transcript NM_000760.4 (MANE Select); coding-DNA position 2429, A replaced by G.
Protein change: p.Asp810Gly; replaces aspartic acid 810 with glycine.
Molecular consequence: missense variant. On other transcripts: intron variant (1).
Genome position (GRCh38, 1-based): chr1:36,466,439, T>C on the plus strand (A>G on the coding strand, the complement: CSF3R is on the minus strand). VCF-style: chr1-36466439-T-C. GRCh37 (hg19) VCF-style: chr1-36932040-T-C.
Other names: c.2510A>G, p.Asp837Gly (NM_156039.3); c.2247+182A>G (NM_172313.3); short protein forms D810G, D837G.
Identifiers: ClinVar variation 1980273 (VCV001980273.4), dbSNP rs952518863, ClinGen allele CA20742042.
Genomic context (GRCh38, chr1:36,466,439, plus strand): 5'-ATCCCATGGACCCGGATCCCCTGCAGGAGGGGGAAGTTGAGCAGTGGCCCAAAGACACAG[T>C]CGTCCTCCTGGCTTGGGGCTGGGGTTACCAGGGTCCCCAAGGGGCTGGCCTGGAACCAGA-3'
Protein context (NP_000751.1, residues 800-820): LVTPAPSQED[Asp810Gly]CVFGPLLNFP

ClinVar aggregate classification (germline): Uncertain significance (1 of 4 stars; one submission).

Conditions:
Autosomal recessive severe congenital neutropenia due to CSF3R deficiency. Also called: Neutropenia, severe congenital, 7, autosomal recessive. Identifiers: Orphanet 420702, MedGen C4310764, MONDO:0014865, OMIM 617014.

Allele frequency attached by ClinVar (database versions not stated): TOPMed 0.00002.
gnomAD v4.1: 3 of 1,613,514 alleles (0.00019%); no homozygotes.

Submission:

Labcorp Genetics (formerly Invitae), Labcorp
Classification: Uncertain significance for Autosomal recessive severe congenital neutropenia due to CSF3R deficiency. Last evaluated: 2025-03-18. Review status: criteria provided, single submitter. Criteria: Invitae Variant Classification Sherloc (09022015). Collection method: clinical testing. Allele origin: germline.
Comment: This sequence change replaces aspartic acid, which is acidic and polar, with glycine, which is neutral and non-polar, at codon 810 of the CSF3R protein (p.Asp810Gly). This variant is present in population databases (no rsID available, gnomAD 0.006%). This variant has not been reported in the literature in individuals affected with CSF3R-related conditions. ClinVar contains an entry for this variant (Variation ID: 1980273). An algorithm developed to predict the effect of missense changes on protein structure and function (PolyPhen-2) suggests that this variant is likely to be tolerated. In summary, the available evidence is currently insufficient to determine the role of this variant in disease. Therefore, it has been classified as a Variant of Uncertain Significance.